The following is an entry in ClinVar:

NM_020779.4(WDR35):c.2381C>T (p.Ala794Val)

Gene: WDR35 (WD repeat domain 35; minus strand). Cytogenetic location: 2p24.1.
Variant type: single nucleotide variant.
Coding change: c.2381C>T on transcript NM_020779.4 (MANE Select); coding-DNA position 2381, C replaced by T.
Protein change: p.Ala794Val; replaces alanine 794 with valine.
Molecular consequence: missense variant.
Genome position (GRCh38, 1-based): chr2:19,936,252, G>A on the plus strand (C>T on the coding strand, the complement: WDR35 is on the minus strand). VCF-style: chr2-19936252-G-A. GRCh37 (hg19) VCF-style: chr2-20136013-G-A.
Other names: c.2414C>T, p.Ala805Val (NM_001006657.2); short protein forms A794V, A805V.
Identifiers: ClinVar variation 3384657 (VCV003384657.1).

ClinVar aggregate classification (germline): Uncertain significance (1 of 4 stars; one submission).

Submission:

GeneDx
Classification: Uncertain significance. Last evaluated: 2024-06-04. Review status: criteria provided, single submitter. Criteria: GeneDx Variant Classification Process June 2021. Collection method: clinical testing. Allele origin: germline. Affected: yes.
Comment: Not observed at significant frequency in large population cohorts (gnomAD); In silico analysis supports that this missense variant has a deleterious effect on protein structure/function; Has not been previously published as pathogenic or benign to our knowledge